The following is an entry in ClinVar:

ClinVar aggregate classification (germline): Likely pathogenic (0 of 4 stars; one submission).

Conditions:
Lethal congenital contracture syndrome 7 (LCCS7). Identifiers: MedGen C4225386, MONDO:0014569, OMIM 616286.

Allele frequency attached by ClinVar (database versions not stated): gnomAD exomes below 0.00001; ExAC 0.00001.
gnomAD v4.1: 1 of 1,614,182 alleles (0.000062%); highest among the groups gnomAD compares: South Asian, 0.0011%; no homozygotes.

Submission:

Diagnostics Division, CENTRE FOR DNA FINGERPRINTING AND DIAGNOSTICS
Classification: Likely pathogenic for Lethal congenital contracture syndrome 7. Last evaluated: 2016-01-01. Review status: no assertion criteria provided. Collection method: clinical testing. Allele origin: unknown. Affected: yes. Observed: 1 homozygote.
Comment: Missense variant

NM_003632.3(CNTNAP1):c.2444C>A (p.Thr815Asn)

Gene: CNTNAP1 (contactin associated protein 1; plus strand). Cytogenetic location: 17q21.2.
Variant type: single nucleotide variant.
Coding change: c.2444C>A on transcript NM_003632.3 (MANE Select); coding-DNA position 2444, C replaced by A.
Protein change: p.Thr815Asn; replaces threonine 815 with asparagine.
Molecular consequence: missense variant.
Genome position (GRCh38, 1-based): chr17:42,691,905, C>A. VCF-style: chr17-42691905-C-A. GRCh37 (hg19) VCF-style: chr17-40843923-C-A.
Other names: short protein forms T815N.
Identifiers: ClinVar variation 266117 (VCV000266117.2), dbSNP rs746361190, ClinGen allele CA8582053.
Genomic context (GRCh38, chr17:42,691,905, plus strand): 5'-CACTACGCTTCCCCCCAATCCGTGCCAACCACAGCCTGGATGTCTCCTTCTACTTCAGGA[C>A]CTCTGCTCCCTCGGGGGTCTTCCTAGAGAATATGGGGGGCCCTTACTGCCAGTGGCGCCG-3'
Protein context (NP_003623.1, residues 805-825): HSLDVSFYFR[Thr815Asn]SAPSGVFLEN